The following is an entry in ClinVar:

ClinVar aggregate classification (germline): Conflicting classifications of pathogenicity. Review status: criteria provided, conflicting classifications (1 of 4 stars). 2 submissions from 2 submitters: Uncertain significance (1); Likely benign (1). Last evaluated 2023-01-25.

Conditions:
Inborn genetic diseases. Identifiers: MedGen C0950123, MeSH D030342.
Fructose-biphosphatase deficiency (FBP1D). Also called: Fructose-1,6-Bisphosphatase 1 Deficiency; Fructose 1,6 Bisphosphatase Deficiency; Fructose-1,6-Diphosphatase Deficiency. Identifiers: Orphanet 348, MedGen C0016756, MONDO:0009251, OMIM 229700.

Allele frequency attached by ClinVar (database versions not stated): gnomAD 0.00001; gnomAD exomes 0.00002 and below 0.00001; TOPMed 0.00002.
gnomAD v4.1: 29 of 1,613,946 alleles (0.0018%); highest among the groups gnomAD compares: Middle Eastern, 0.016%; no homozygotes.

Submissions (2):

Ambry Genetics
Classification: Likely benign for Inborn genetic diseases. Last evaluated: 2023-01-25. Review status: criteria provided, single submitter. Criteria: Ambry Variant Classification Scheme 2023. Collection method: clinical testing. Allele origin: germline.

Labcorp Genetics (formerly Invitae), Labcorp
Classification: Uncertain significance for Fructose-biphosphatase deficiency. Last evaluated: 2022-09-27. Review status: criteria provided, single submitter. Criteria: Invitae Variant Classification Sherloc (09022015). Collection method: clinical testing. Allele origin: germline.
Comment: This sequence change replaces valine, which is neutral and non-polar, with isoleucine, which is neutral and non-polar, at codon 306 of the FBP1 protein (p.Val306Ile). This variant is present in population databases (no rsID available, gnomAD 0.0009%). This variant has not been reported in the literature in individuals affected with FBP1-related conditions. ClinVar contains an entry for this variant (Variation ID: 575402). Advanced modeling of protein sequence and biophysical properties (such as structural, functional, and spatial information, amino acid conservation, physicochemical variation, residue mobility, and thermodynamic stability) performed at Invitae indicates that this missense variant is not expected to disrupt FBP1 protein function. In summary, the available evidence is currently insufficient to determine the role of this variant in disease. Therefore, it has been classified as a Variant of Uncertain Significance.

NM_000507.4(FBP1):c.916G>A (p.Val306Ile)

Gene: FBP1 (fructose-bisphosphatase 1; minus strand). Cytogenetic location: 9q22.32.
Variant type: single nucleotide variant.
Coding change: c.916G>A on transcript NM_000507.4 (MANE Select); coding-DNA position 916, G replaced by A.
Protein change: p.Val306Ile; replaces valine 306 with isoleucine.
Molecular consequence: missense variant.
Genome position (GRCh38, 1-based): chr9:94,603,482, C>T on the plus strand (G>A on the coding strand, the complement: FBP1 is on the minus strand). VCF-style: chr9-94603482-C-T. GRCh37 (hg19) VCF-style: chr9-97365764-C-T.
Other names: c.916G>A, p.Val306Ile (NM_001127628.2); short protein forms V306I.
Identifiers: ClinVar variation 575402 (VCV000575402.9), dbSNP rs865779742, ClinGen allele CA196550817.